The following is an entry in ClinVar:

ClinVar aggregate classification (germline): Pathogenic. Review status: reviewed by expert panel (3 of 4 stars). 3 submissions from 3 submitters: Pathogenic (1). 2 of the submissions do not count toward it. Last evaluated 2017-12-15.

Conditions:
Hereditary cancer-predisposing syndrome. Also called: Tumor predisposition; Hereditary Cancer Syndrome; Neoplastic Syndromes, Hereditary; Hereditary neoplastic syndrome. Identifiers: Orphanet 140162, MedGen C0027672, MeSH D009386, MONDO:0015356.
Breast-ovarian cancer, familial, susceptibility to, 2 (BROVCA2). Also called: BRCA2 Hereditary Breast and Ovarian Cancer. Identifiers: Orphanet 145, MedGen C2675520, MONDO:0012933, OMIM 612555. Disease mechanism: loss of function.

Submissions (3):

Evidence-based Network for the Interpretation of Germline Mutant Alleles (ENIGMA)
Classification: Pathogenic for Breast-ovarian cancer, familial, susceptibility to, 2. Last evaluated: 2017-12-15. Review status: reviewed by expert panel. Criteria: ENIGMA BRCA1/2 Classification Criteria (2017-06-29). Collection method: curation. Allele origin: germline. Study: ENIGMA.
Comment: Variant allele predicted to encode a truncated non-functional protein.

Color Diagnostics, LLC DBA Color Health
Classification: Pathogenic for Hereditary cancer-predisposing syndrome. Last evaluated: 2024-02-13. Review status: criteria provided, single submitter. Criteria: ACMG Guidelines, 2015. Collection method: clinical testing. Allele origin: germline. Not counted in ClinVar's aggregate classification.
Comment: This variant inserts 1 nucleotide in exon 4 of the BRCA2 gene, creating a frameshift and premature translation stop signal. This variant is expected to result in an absent or non-functional protein product. This variant has been reported in an individual affected with breast and/or ovarian cancer (DOI 10.48176/esmj.2023.102). This variant has not been identified in the general population by the Genome Aggregation Database (gnomAD). Loss of BRCA2 function is a known mechanism of disease. Based on the available evidence, this variant is classified as Pathogenic.

GeneKor MSA
Classification: Pathogenic. Last evaluated: 2020-01-01. Review status: criteria provided, single submitter. Criteria: ACMG Guidelines, 2015. Collection method: clinical testing. Allele origin: germline. Not counted in ClinVar's aggregate classification.
Comment: This sequence change inserts one base in exon 4 of the BRCA2 mRNA (c.378dupA), causing a frameshift after codon 1227 and the creation of a premature translation stop signal 3 amino acid residues later, [p.(Ala127Serfs)]. This is expected to result in an absent or disrupted protein product. Truncating variants in the BRCA2 gene are known to be pathogenic. The mutation database Clinvar contains entries for this variant (Variation ID: 252437).

NM_000059.4(BRCA2):c.378dup (p.Ala127fs)

Gene: BRCA2 (BRCA2 DNA repair associated; plus strand). Cytogenetic location: 13q13.1.
Variant type: Duplication.
Coding change: c.378dup on transcript NM_000059.4 (MANE Select); coding-DNA position 378, one base duplicated (A; older notation c.378dupA).
Protein change: p.Ala127fs; shifts the reading frame from alanine 127.
Molecular consequence: frameshift variant.
Genome position (GRCh38, 1-based): chr13:32,325,137, A duplicated; the last of 2 consecutive A bases (chr13:32,325,136-32,325,137); duplicating either gives the same sequence. VCF-style (leftmost placement, unchanged base first): chr13-32325135-C-CA. GRCh37 (hg19) VCF-style: chr13-32899272-C-CA.
Other names: c.378dupA (NM_000059.3); short protein forms A127fs.
Identifiers: ClinVar variation 252437 (VCV000252437.3), dbSNP rs879255321, ClinGen allele CA10585925.